The following is an entry in ClinVar:

ClinVar aggregate classification (germline): Conflicting classifications of pathogenicity. Review status: criteria provided, conflicting classifications (1 of 4 stars). 5 submissions from 5 submitters: Uncertain significance (1); Benign (2); Likely benign (2). Last evaluated 2026-04-01.

Conditions:
Congenital myasthenic syndrome 10. Also called: Myasthenia, limb-girdle, familial. Identifiers: Orphanet 590, MedGen C1850792, MONDO:0009690, OMIM 254300.
Fetal akinesia deformation sequence 1 (FADS1). Also called: Fetal akinesia sequence; Pena-Shokeir syndrome type I. Identifiers: Orphanet 994, MedGen C1276035, MONDO:0100101, OMIM 208150, HP:0001989.

Allele frequency attached by ClinVar (database versions not stated): 1000 Genomes Project 0.00040; 1000 Genomes Project 30x 0.00062; gnomAD 0.00181; TOPMed 0.00187; ESP Exome Variant Server 0.00240.
gnomAD v4.1: 4,046 of 1,611,556 alleles (0.25%); highest among the groups gnomAD compares: Non-Finnish European, 0.31%; 9 homozygotes.

Submissions (5):

CeGaT Center for Human Genetics Tuebingen
Classification: Likely benign. Last evaluated: 2026-04-01. Review status: criteria provided, single submitter. Criteria: CeGaT Center For Human Genetics Tuebingen Variant Classification Criteria Version 2. Collection method: clinical testing. Allele origin: germline. Affected: yes. Observed: 3 variant alleles.
Comment: DOK7: BP4, BP7

Labcorp Genetics (formerly Invitae), Labcorp
Classification: Benign for Congenital myasthenic syndrome 10; Fetal akinesia deformation sequence 1. Last evaluated: 2026-01-27. Review status: criteria provided, single submitter. Criteria: Invitae Variant Classification Sherloc (09022015). Collection method: clinical testing. Allele origin: germline.

Blueprint Genetics
Classification: Likely benign. Last evaluated: 2024-11-18. Review status: criteria provided, single submitter. Criteria: ACMG Guidelines, 2015. Collection method: clinical testing. Allele origin: germline.

Athena Diagnostics
Classification: Benign. Last evaluated: 2021-05-19. Review status: criteria provided, single submitter. Criteria: Athena Diagnostics criteria. Collection method: clinical testing. Allele origin: unknown.

Eurofins Ntd Llc (ga)
Classification: Uncertain significance. Last evaluated: 2015-06-16. Review status: criteria provided, single submitter. Criteria: EGL Classification Definitions 2015. Collection method: clinical testing. Allele origin: germline. Observed: 2 variant alleles, 2 heterozygotes.

NM_173660.5(DOK7):c.1278C>T (p.Pro426=)

Gene: DOK7 (docking protein 7; plus strand). Cytogenetic location: 4p16.3.
Variant type: single nucleotide variant.
Coding change: c.1278C>T on transcript NM_173660.5 (MANE Select); coding-DNA position 1278, C replaced by T.
Protein change: p.Pro426=; no amino-acid change (proline 426 retained).
Molecular consequence: synonymous variant. On other transcripts: 3 prime UTR variant (1).
Genome position (GRCh38, 1-based): chr4:3,493,264, C>T. VCF-style: chr4-3493264-C-T. GRCh37 (hg19) VCF-style: chr4-3494991-C-T.
Other names: c.*499C>T (NM_001164673.2); c.348C>T, p.Pro116= (NM_001256896.2); c.1278C>T, p.Pro426= (NM_001301071.2); c.846C>T, p.Pro282= (NM_001363811.2).
Identifiers: ClinVar variation 281424 (VCV000281424.52), dbSNP rs139468087, ClinGen allele CA2829444.